The following is an entry in ClinVar:

NM_001378454.1(ALMS1):c.11798G>A (p.Arg3933His)

Gene: ALMS1 (ALMS1 centrosome and basal body associated protein; plus strand). Cytogenetic location: 2p13.1.
Variant type: single nucleotide variant.
Coding change: c.11798G>A on transcript NM_001378454.1 (MANE Select); coding-DNA position 11798, G replaced by A.
Protein change: p.Arg3933His; replaces arginine 3933 with histidine.
Molecular consequence: missense variant.
Genome position (GRCh38, 1-based): chr2:73,600,807, G>A. VCF-style: chr2-73600807-G-A. GRCh37 (hg19) VCF-style: chr2-73827934-G-A.
Other names: c.11801G>A, p.Arg3934His (NM_015120.4); short protein forms R3934H, R3933H.
Identifiers: ClinVar variation 553055 (VCV000553055.10), dbSNP rs45576434, ClinGen allele CA1715328.

ClinVar aggregate classification (germline): Uncertain significance. Review status: criteria provided, multiple submitters, no conflicts (2 of 4 stars). 5 submissions from 5 submitters: Uncertain significance (3). 2 of the submissions do not count toward it. Last evaluated 2022-08-03.

Conditions:
Cardiovascular phenotype. Identifiers: MedGen CN230736.
Alstrom syndrome (ALMS). Identifiers: Orphanet 64, MedGen C0268425, MONDO:0008763, OMIM 203800.

Allele frequency attached by ClinVar (database versions not stated): ExAC 0.00003; gnomAD exomes 0.00003; TOPMed 0.00005.
gnomAD v4.1: 18 of 1,614,074 alleles (0.0011%); highest among the groups gnomAD compares: South Asian, 0.0055%; no homozygotes.

Submissions (5):

Labcorp Genetics (formerly Invitae), Labcorp
Classification: Uncertain significance for Alstrom syndrome. Last evaluated: 2022-08-03. Review status: criteria provided, single submitter. Criteria: Invitae Variant Classification Sherloc (09022015). Collection method: clinical testing. Allele origin: germline.
Comment: This sequence change replaces arginine, which is basic and polar, with histidine, which is basic and polar, at codon 3934 of the ALMS1 protein (p.Arg3934His). This variant is present in population databases (rs45576434, gnomAD 0.005%). This missense change has been observed in individual(s) with Alstrom syndrome (PMID: 17594715). ClinVar contains an entry for this variant (Variation ID: 553055). Experimental studies and prediction algorithms are not available or were not evaluated, and the functional significance of this variant is currently unknown. In summary, the available evidence is currently insufficient to determine the role of this variant in disease. Therefore, it has been classified as a Variant of Uncertain Significance.

Ambry Genetics
Classification: Uncertain significance for Cardiovascular phenotype. Last evaluated: 2020-03-13. Review status: criteria provided, single submitter. Criteria: Ambry Variant Classification Scheme 2023. Collection method: clinical testing. Allele origin: germline.
Comment: The p.R3934H variant (also known as c.11801G>A), located in coding exon 18 of the ALMS1 gene, results from a G to A substitution at nucleotide position 11801. The arginine at codon 3934 is replaced by histidine, an amino acid with highly similar properties. This variant was identified in two individuals with Alstrom syndrome; however, additional details were not provided (Marshall JD et al. Hum. Mutat., 2007 Nov;28:1114-23). This amino acid position is poorly conserved in available vertebrate species. In addition, this alteration is predicted to be tolerated by in silico analysis. Since supporting evidence is limited at this time, the clinical significance of this alteration remains unclear.

Women's Health and Genetics/Laboratory Corporation of America, LabCorp
Classification: Uncertain significance. Last evaluated: 2017-01-03. Review status: criteria provided, single submitter. Criteria: LabCorp Variant Classification Summary - May 2015. Collection method: clinical testing. Allele origin: germline.
Comment: Variant summary: The ALMS1 c.11795G>A (p.Arg3932His, alternative name c.11801G>A) variant involves the alteration of a non-conserved nucleotide, which 3/4 in silico tools (SNPs&GO not captured due to low reliability index) predict a benign outcome, although these predictions have yet to be functionally assessed. The variant of interest was observed in the large, broad control population, ExAC, with an allele frequency of 4/120564 (1/30120), which does not exceed the estimated maximal expected allele frequency for a pathogenic ALMS1 variant of 1/447. A publication cites the variant to have been found in a cohort of Alstrom syndrome patients, however, co-occurrence and cosegregation data was not provided. The variant of interest has not been reported by clinical diagnostic laboratories or databases, to our knowledge. Therefore, due to the limited available information (ie, lack of clinical and functional studies), the variant of interest has been classified as a "Variant of Uncertain Significance (VUS)," until additional information becomes available.

Natera, Inc.
Classification: Uncertain significance for Alstrom syndrome. Last evaluated: 2021-09-10. Review status: no assertion criteria provided. Collection method: clinical testing. Allele origin: germline. Not counted in ClinVar's aggregate classification.

Counsyl
Classification: Uncertain significance for Alstrom syndrome. Last evaluated: 2017-07-26. Review status: no assertion criteria provided. Collection method: clinical testing. Allele origin: unknown. Not counted in ClinVar's aggregate classification.

Literature cited by the submitters: PubMed 17594715 (cited by 3 submitters).